The following is an entry in ClinVar:

NM_138413.4(HOGA1):c.754C>T (p.Gln252Ter)

Gene: HOGA1 (4-hydroxy-2-oxoglutarate aldolase 1; plus strand). Cytogenetic location: 10q24.2.
Variant type: single nucleotide variant.
Coding change: c.754C>T on transcript NM_138413.4 (MANE Select); coding-DNA position 754, C replaced by T.
Protein change: p.Gln252Ter; replaces glutamine 252 with a stop codon.
Molecular consequence: nonsense.
Genome position (GRCh38, 1-based): chr10:97,601,910, C>T. VCF-style: chr10-97601910-C-T. GRCh37 (hg19) VCF-style: chr10-99361667-C-T.
Other names: c.265C>T, p.Gln89Ter (NM_001134670.2); short protein forms Q252*, Q89*.
Identifiers: ClinVar variation 2664402 (VCV002664402.1), dbSNP rs1311447368, ClinGen allele CA377981200.
Genomic context (GRCh38, chr10:97,601,910, plus strand): 5'-CGTGCAGGAGCTGTGGGGGGCGTCTGCGCCCTGGCCAATGTCCTGGGGGCTCAGGTGTGC[C>T]AGCTGGAGCGACTGTGCTGCACGGGGCAATGGGAAGATGCCCAGAAACTGCAGCACCGCC-3'

ClinVar aggregate classification (germline): Pathogenic (1 of 4 stars; one submission).

Conditions:
Primary hyperoxaluria type 3. Also called: PH III. Identifiers: Orphanet 416, Orphanet 93600, MedGen C3150878, MONDO:0013327, OMIM 613616. Disease mechanism: loss of function.

Allele frequency attached by ClinVar (database versions not stated): gnomAD exomes below 0.00001.
gnomAD v4.1: 1 of 1,612,854 alleles (0.000062%); highest among the groups gnomAD compares: South Asian, 0.0011%; no homozygotes.

Submission:

Clinical Biochemistry Laboratory, Health Services Laboratory
Classification: Pathogenic for Primary hyperoxaluria type 3. Last evaluated: 2023-10-27. Review status: criteria provided, single submitter. Criteria: ACMG Guidelines, 2015. Collection method: curation. Allele origin: germline.
Comment: ACMG:PVS1 PM2 PP3